The following is an entry in ClinVar:

NM_018834.6(MATR3):c.1385T>G (p.Phe462Cys)

Gene: MATR3 (matrin 3; plus strand). Cytogenetic location: 5q31.2.
Variant type: single nucleotide variant.
Coding change: c.1385T>G on transcript NM_018834.6 (MANE Select); coding-DNA position 1385, T replaced by G.
Protein change: p.Phe462Cys; replaces phenylalanine 462 with cysteine.
Molecular consequence: missense variant.
Genome position (GRCh38, 1-based): chr5:139,318,984, T>G. VCF-style: chr5-139318984-T-G. GRCh37 (hg19) VCF-style: chr5-138654673-T-G.
Other names: c.1385T>G, p.Phe462Cys (NM_001194954.2, NM_001194955.2, NM_001400441.1 and 16 more transcripts); c.521T>G, p.Phe174Cys (NM_001194956.2); c.371T>G, p.Phe124Cys (NM_001282278.2, NM_001400460.1, NM_001400462.1 and 5 more transcripts); c.524T>G, p.Phe175Cys (NM_001400459.1); c.485T>G, p.Phe162Cys (NM_001400461.1); c.1385T>G (NM_199189.2); short protein forms F124C, F162C, F174C, F175C, F462C.
Identifiers: ClinVar variation 3716523 (VCV003716523.3).

ClinVar aggregate classification (germline): Uncertain significance. Review status: criteria provided, multiple submitters, no conflicts (2 of 4 stars). 2 submissions from 2 submitters: Uncertain significance (2). Last evaluated 2025-07-08.

Conditions:
MATR3-related disorder. Also called: MATR3-related condition.
Amyotrophic lateral sclerosis type 21. Also called: MYOPATHY, DISTAL, 2; VOCAL CORD AND PHARYNGEAL DYSFUNCTION WITH DISTAL MYOPATHY. Identifiers: Orphanet 600, Orphanet 803, MedGen C3807521, MONDO:0011632, OMIM 606070.

gnomAD v4.1: 1 of 1,614,078 alleles (0.000062%); highest among the groups gnomAD compares: Non-Finnish European, 0.000085%; no homozygotes.

Submissions (2):

Labcorp Genetics (formerly Invitae), Labcorp
Classification: Uncertain significance for Amyotrophic lateral sclerosis type 21. Last evaluated: 2025-07-08. Review status: criteria provided, single submitter. Criteria: Invitae Variant Classification Sherloc (09022015). Collection method: clinical testing. Allele origin: germline.
Comment: This sequence change replaces phenylalanine, which is neutral and non-polar, with cysteine, which is neutral and slightly polar, at codon 462 of the MATR3 protein (p.Phe462Cys). This variant is not present in population databases (gnomAD no frequency). This variant has not been reported in the literature in individuals affected with MATR3-related conditions. ClinVar contains an entry for this variant (Variation ID: 3716523). Invitae Evidence Modeling of protein sequence and biophysical properties (such as structural, functional, and spatial information, amino acid conservation, physicochemical variation, residue mobility, and thermodynamic stability) indicates that this missense variant is not expected to disrupt MATR3 protein function with a negative predictive value of 80%. In summary, the available evidence is currently insufficient to determine the role of this variant in disease. Therefore, it has been classified as a Variant of Uncertain Significance.

PreventionGenetics, part of Exact Sciences
Classification: Uncertain significance for MATR3-related condition. Last evaluated: 2025-03-30. Review status: criteria provided, single submitter. Criteria: ACMG Guidelines, 2015. Collection method: clinical testing. Allele origin: germline.
Comment: The MATR3 c.1385T>G variant is predicted to result in the amino acid substitution p.Phe462Cys. To our knowledge, this variant has not been reported in the literature or in a large population database (gnomAD), indicating this variant is rare. At this time, the clinical significance of this variant is uncertain due to the absence of conclusive functional and genetic evidence.